The following is an entry in ClinVar:

ClinVar aggregate classification (germline): Uncertain significance (1 of 4 stars; one submission).

Conditions:
Cardiovascular phenotype. Identifiers: MedGen CN230736.

Submission:

Ambry Genetics
Classification: Uncertain significance for Cardiovascular phenotype. Last evaluated: 2025-08-28. Review status: criteria provided, single submitter. Criteria: Ambry Variant Classification Scheme 2023. Collection method: clinical testing. Allele origin: germline.
Comment: The c.15194_15196delAGA variant (also known as p.K5065del) is located in coding exon 57 of the TTN gene. This variant results from an in-frame AGA deletion at nucleotide positions 15194 to 15196. This results in the in-frame deletion of a lysine at codon 5065. This amino acid position is well conserved in available vertebrate species. In addition, this variant is predicted to be deleterious by in silico analysis (Choi Y et al. PLoS ONE. 2012; 7(10):e46688). Based on the available evidence, the clinical significance of this variant remains unclear.

NM_001267550.2(TTN):c.42386AGA[1] (p.Lys14130del)

Gene: TTN (titin; minus strand). Cytogenetic location: 2q31.2.
Variant type: Microsatellite.
Coding change: c.42386AGA[1] on transcript NM_001267550.2 (MANE Select); one copy of the 3-base unit AGA starting at c.42386; the reference has two copies in a row; one copy, 3 bases deleted.
Protein change: p.Lys14130del; deletes lysine 14130.
Genome position (GRCh38, 1-based): chr2:178,634,390-178,634,392, TCT deleted on the plus strand (AGA on the coding strand, the reverse complement: TTN is on the minus strand); deleting any 3 consecutive bases within chr2:178,634,390-178,634,396 gives the same sequence; the position shown is the placement nearest the transcript's 3' end. VCF-style (leftmost placement, unchanged base first): chr2-178634389-GTCT-G. GRCh37 (hg19) VCF-style: chr2-179499116-GTCT-G.
Other names: c.37463AGA[1], p.Lys12489del (NM_001256850.1); c.15191AGA[1], p.Lys5065del (NM_003319.4); c.34682AGA[1], p.Lys11562del (NM_133378.4); c.15566AGA[1], p.Lys5190del (NM_133432.3); c.15767AGA[1], p.Lys5257del (NM_133437.4); c.15194_15196delAGA (NM_003319.4); short protein forms K11562del, K5257del, K14130del, K5065del, K12489del, K5190del.
Identifiers: ClinVar variation 4193773 (VCV004193773.1).
Genomic context (GRCh38, chr2:178,634,389, plus strand): 5'-CTTTATGGGATGTCACAGATCTCATTAGCTCGCTTACCTGTGACAAACAACCGAGCTGAG[GTCT>G]TCTTGCCCTCCACCTCAGCAGTATAGACCCCTTCATCATCAAATTGAGAATCATTAATAA-3'